The following is an entry in ClinVar:

ClinVar aggregate classification (germline): Uncertain significance (1 of 4 stars; one submission).

Conditions:
Familial adenomatous polyposis 1 (FAP1). Also called: FAMILIAL ADENOMATOUS POLYPOSIS 1, ATTENUATED; POLYPOSIS, ADENOMATOUS INTESTINAL. Identifiers: MedGen C2713442, MONDO:0021056, OMIM 175100. Disease mechanism: loss of function.

Submission:

Labcorp Genetics (formerly Invitae), Labcorp
Classification: Uncertain significance for Familial adenomatous polyposis 1. Last evaluated: 2022-09-01. Review status: criteria provided, single submitter. Criteria: Invitae Variant Classification Sherloc (09022015). Collection method: clinical testing. Allele origin: germline.
Comment: In summary, the available evidence is currently insufficient to determine the role of this variant in disease. Therefore, it has been classified as a Variant of Uncertain Significance. Algorithms developed to predict the effect of missense changes on protein structure and function are either unavailable or do not agree on the potential impact of this missense change (SIFT: "Deleterious"; PolyPhen-2: "Benign"; Align-GVGD: "Class C0"). This variant has not been reported in the literature in individuals affected with APC-related conditions. This variant is not present in population databases (gnomAD no frequency). This sequence change replaces glutamine, which is neutral and polar, with leucine, which is neutral and non-polar, at codon 1303 of the APC protein (p.Gln1303Leu).

NM_000038.6(APC):c.3908A>T (p.Gln1303Leu)

Gene: APC (APC regulator of Wnt signaling pathway; plus strand). Cytogenetic location: 5q22.2.
Variant type: single nucleotide variant.
Coding change: c.3908A>T on transcript NM_000038.6 (MANE Select); coding-DNA position 3908, A replaced by T.
Protein change: p.Gln1303Leu; replaces glutamine 1303 with leucine.
Molecular consequence: missense variant.
Genome position (GRCh38, 1-based): chr5:112,839,502, A>T. VCF-style: chr5-112839502-A-T. GRCh37 (hg19) VCF-style: chr5-112175199-A-T.
Other names: c.3908A>T, p.Gln1303Leu (NM_001127510.3, NM_001354895.2, NM_001407450.1); c.3854A>T, p.Gln1285Leu (NM_001127511.3); c.3962A>T, p.Gln1321Leu (NM_001354896.2, NM_001407447.1, NM_001407448.1 and 1 more transcripts); c.3938A>T, p.Gln1313Leu (NM_001354897.2); c.3833A>T, p.Gln1278Leu (NM_001354898.2); c.3824A>T, p.Gln1275Leu (NM_001354899.2); c.3785A>T, p.Gln1262Leu (NM_001354900.2); c.3731A>T, p.Gln1244Leu (NM_001354901.2, NM_001407453.1); and 11 more; short protein forms Q1020L, Q1143L, Q1174L, Q1177L, Q1202L, Q1212L, Q1220L, Q1244L.
Identifiers: ClinVar variation 1716839 (VCV001716839.6), dbSNP rs2149901801, ClinGen allele CA16029908.